The following is an entry in ClinVar:

ClinVar aggregate classification (germline): Pathogenic (1 of 4 stars; one submission).

Conditions:
Mucopolysaccharidosis type 6 (MPS6). Also called: ARSB DEFICIENCY; ARYLSULFATASE B DEFICIENCY; MPS 6; Maroteaux Lamy syndrome; MPS VI; N-ACETYLGALACTOSAMINE-4-SULFATASE DEFICIENCY. Identifiers: Orphanet 583, MedGen C0026709, MONDO:0009661, OMIM 253200.

Submission:

Labcorp Genetics (formerly Invitae), Labcorp
Classification: Pathogenic for Mucopolysaccharidosis type 6. Last evaluated: 2022-04-12. Review status: criteria provided, single submitter. Criteria: Invitae Variant Classification Sherloc (09022015). Collection method: clinical testing. Allele origin: germline.
Comment: For these reasons, this variant has been classified as Pathogenic. This variant has not been reported in the literature in individuals affected with ARSB-related conditions. This variant is not present in population databases (gnomAD no frequency). This sequence change creates a premature translational stop signal (p.Leu19Serfs*37) in the ARSB gene. It is expected to result in an absent or disrupted protein product. Loss-of-function variants in ARSB are known to be pathogenic (PMID: 17458871, 22133300).

Literature cited by the submitters: PubMed 17458871; PubMed 22133300.

NM_000046.5(ARSB):c.54del (p.Leu19fs)

Genes: ARSB (arylsulfatase B; minus strand), LOC129994126 (ATAC-STARR-seq lymphoblastoid silent region 16127; plus strand). Cytogenetic location: 5q14.1.
Variant type: Deletion.
Coding change: c.54del on transcript NM_000046.5 (MANE Select); coding-DNA position 54, one base deleted (G; older notation c.54delG).
Protein change: p.Leu19fs; shifts the reading frame from leucine 19.
Molecular consequence: frameshift variant.
Genome position (GRCh38, 1-based): chr5:78,985,195, C deleted on the plus strand (G on the coding strand, the reverse complement: ARSB is on the minus strand). VCF-style (leftmost placement, unchanged base first): chr5-78985194-GC-G. GRCh37 (hg19) VCF-style: chr5-78281017-GC-G.
Other names: c.54del, p.Leu19fs (NM_198709.3); short protein forms L19fs.
Identifiers: ClinVar variation 2038420 (VCV002038420.4), dbSNP rs2530672292, ClinGen allele CA2580073474.